The following is an entry in ClinVar:

ClinVar aggregate classification (germline): Uncertain significance. Review status: criteria provided, multiple submitters, no conflicts (2 of 4 stars). 5 submissions from 5 submitters: Uncertain significance (5). Last evaluated 2025-11-17.

Conditions:
Hereditary cancer-predisposing syndrome. Also called: Hereditary Cancer Syndrome; Neoplastic Syndromes, Hereditary; Hereditary neoplastic syndrome; Tumor predisposition. Identifiers: Orphanet 140162, MedGen C0027672, MeSH D009386, MONDO:0015356.
POLD1-related polyposis and colorectal cancer syndrome (CRCS10). Also called: COLORECTAL CANCER, SUSCEPTIBILITY TO, ON CHROMOSOME 19q; Colorectal cancer 10; Colorectal cancer, susceptibility to, 10. Identifiers: Orphanet 220460, MedGen C2675481, MONDO:0012953, OMIM 612591.

Allele frequency attached by ClinVar (database versions not stated): TOPMed 0.00001; ESP Exome Variant Server 0.00008.

Submissions (5):

Labcorp Genetics (formerly Invitae), Labcorp
Classification: Uncertain significance for POLD1-related polyposis and colorectal cancer syndrome. Last evaluated: 2025-11-17. Review status: criteria provided, single submitter. Criteria: Invitae Variant Classification Sherloc (09022015). Collection method: clinical testing. Allele origin: germline.
Comment: This sequence change replaces aspartic acid, which is acidic and polar, with tyrosine, which is neutral and polar, at codon 854 of the POLD1 protein (p.Asp854Tyr). This variant is present in population databases (rs373650022, gnomAD 0.005%). This variant has not been reported in the literature in individuals affected with POLD1-related conditions. ClinVar contains an entry for this variant (Variation ID: 239300). Invitae Evidence Modeling of protein sequence and biophysical properties (such as structural, functional, and spatial information, amino acid conservation, physicochemical variation, residue mobility, and thermodynamic stability) indicates that this missense variant is not expected to disrupt POLD1 protein function with a negative predictive value of 80%. In summary, the available evidence is currently insufficient to determine the role of this variant in disease. Therefore, it has been classified as a Variant of Uncertain Significance.

Center for Genomic Medicine, Rigshospitalet, Copenhagen University Hospital
Classification: Uncertain significance. Last evaluated: 2025-03-04. Review status: criteria provided, single submitter. Criteria: ACMG Guidelines, 2015. Collection method: clinical testing. Allele origin: germline.

Ambry Genetics
Classification: Uncertain significance for Hereditary cancer-predisposing syndrome. Last evaluated: 2025-02-05. Review status: criteria provided, single submitter. Criteria: Ambry Variant Classification Scheme 2023. Collection method: clinical testing. Allele origin: germline.
Comment: The p.D854Y variant (also known as c.2560G>T), located in coding exon 19 of the POLD1 gene, results from a G to T substitution at nucleotide position 2560. The aspartic acid at codon 854 is replaced by tyrosine, an amino acid with highly dissimilar properties. This amino acid position is well conserved in available vertebrate species. In addition, the in silico prediction for this alteration is inconclusive. Based on the available evidence, the clinical significance of this variant remains unclear.

Quest Diagnostics Nichols Institute San Juan Capistrano
Classification: Uncertain significance. Last evaluated: 2019-06-23. Review status: criteria provided, single submitter. Criteria: Quest Diagnostics criteria. Collection method: clinical testing. Allele origin: germline.

PreventionGenetics, part of Exact Sciences
Classification: Uncertain significance. Last evaluated: 2017-11-28. Review status: criteria provided, single submitter. Criteria: ACMG Guidelines, 2015. Collection method: clinical testing. Allele origin: germline.

NM_002691.4(POLD1):c.2560G>T (p.Asp854Tyr)

Gene: POLD1 (DNA polymerase delta 1, catalytic subunit; plus strand). Cytogenetic location: 19q13.33.
Variant type: single nucleotide variant.
Coding change: c.2560G>T on transcript NM_002691.4 (MANE Select); coding-DNA position 2560, G replaced by T.
Protein change: p.Asp854Tyr; replaces aspartic acid 854 with tyrosine.
Molecular consequence: missense variant. On other transcripts: non-coding transcript variant (1).
Genome position (GRCh38, 1-based): chr19:50,414,986, G>T. VCF-style: chr19-50414986-G-T. GRCh37 (hg19) VCF-style: chr19-50918243-G-T.
Other names: c.2560G>T, p.Asp854Tyr (NM_001256849.1); c.2638G>T, p.Asp880Tyr (NM_001308632.1); c.2560G>T (NM_002691.2); short protein forms D854Y, D880Y.
Identifiers: ClinVar variation 239300 (VCV000239300.15), dbSNP rs373650022, ClinGen allele CA9596555.